The following is an entry in ClinVar:

ClinVar aggregate classification (germline): Uncertain significance. Review status: criteria provided, multiple submitters, no conflicts (2 of 4 stars). 4 submissions from 3 submitters: Uncertain significance (4). Last evaluated 2022-07-03.

Conditions:
Weill-Marchesani syndrome. Also called: WM Syndrome; Mesodermal dysmorphodystrophy congenital. Identifiers: Orphanet 3449, MedGen C0265313, MONDO:0018096.
Glaucoma 3, primary congenital, D. Identifiers: Orphanet 98976, MedGen C2751316, MONDO:0013122, OMIM 613086.

Allele frequency attached by ClinVar (database versions not stated): gnomAD 0.00005; TOPMed 0.00005; ESP Exome Variant Server 0.00008; ExAC 0.00009; gnomAD exomes 0.00010; 1000 Genomes Project 30x 0.00016; 1000 Genomes Project 0.00020.
gnomAD v4.1: 72 of 1,614,126 alleles (0.0045%); highest among the groups gnomAD compares: Middle Eastern, 0.082%; 1 homozygote.

Submissions (4):

Labcorp Genetics (formerly Invitae), Labcorp
Classification: Uncertain significance. Last evaluated: 2022-07-03. Review status: criteria provided, single submitter. Criteria: Invitae Variant Classification Sherloc (09022015). Collection method: clinical testing. Allele origin: germline.
Comment: This sequence change replaces valine, which is neutral and non-polar, with methionine, which is neutral and non-polar, at codon 1719 of the LTBP2 protein (p.Val1719Met). This variant is present in population databases (rs189020867, gnomAD 0.09%). This variant has not been reported in the literature in individuals affected with LTBP2-related conditions. ClinVar contains an entry for this variant (Variation ID: 887687). Algorithms developed to predict the effect of missense changes on protein structure and function output the following: SIFT: "Deleterious"; PolyPhen-2: "Benign"; Align-GVGD: "Class C0". The methionine amino acid residue is found in multiple mammalian species, which suggests that this missense change does not adversely affect protein function. In summary, the available evidence is currently insufficient to determine the role of this variant in disease. Therefore, it has been classified as a Variant of Uncertain Significance.

Illumina Laboratory Services, Illumina
Classification: Uncertain significance for Weill-Marchesani syndrome. Last evaluated: 2018-01-12. Review status: criteria provided, single submitter. Criteria: ICSL Variant Classification Criteria 13 December 2019. Collection method: clinical testing. Allele origin: germline.

Illumina Laboratory Services, Illumina
Classification: Uncertain significance for Glaucoma 3, primary congenital, D. Last evaluated: 2018-01-12. Review status: criteria provided, single submitter. Criteria: ICSL Variant Classification Criteria 13 December 2019. Collection method: clinical testing. Allele origin: germline.

Breakthrough Genomics
Classification: Uncertain significance. Review status: criteria provided, single submitter. Criteria: ACMG Guidelines, 2015. Collection method: not provided. Allele origin: germline. Inheritance: Autosomal recessive inheritance. Affected: yes.

NM_000428.3(LTBP2):c.5155G>A (p.Val1719Met)

Gene: LTBP2 (latent transforming growth factor beta binding protein 2; minus strand). Cytogenetic location: 14q24.3.
Variant type: single nucleotide variant.
Coding change: c.5155G>A on transcript NM_000428.3 (MANE Select); coding-DNA position 5155, G replaced by A.
Protein change: p.Val1719Met; replaces valine 1719 with methionine.
Molecular consequence: missense variant.
Genome position (GRCh38, 1-based): chr14:74,502,668, C>T on the plus strand (G>A on the coding strand, the complement: LTBP2 is on the minus strand). VCF-style: chr14-74502668-C-T. GRCh37 (hg19) VCF-style: chr14-74969371-C-T.
Other names: short protein forms V1719M.
Identifiers: ClinVar variation 887687 (VCV000887687.6), dbSNP rs189020867, ClinGen allele CA7268522.